The following is an entry in ClinVar:

NM_000329.3(RPE65):c.361dup (p.Ser121fs)

Gene: RPE65 (retinoid isomerohydrolase RPE65; minus strand). Cytogenetic location: 1p31.3.
Variant type: Duplication.
Coding change: c.361dup on transcript NM_000329.3 (MANE Select); coding-DNA position 361, one base duplicated (T; older notation c.361dupT).
Protein change: p.Ser121fs; shifts the reading frame from serine 121.
Molecular consequence: frameshift variant.
Genome position (GRCh38, 1-based): chr1:68,444,665, A duplicated on the plus strand (T on the coding strand, the reverse complement: RPE65 is on the minus strand); the first of 7 consecutive A bases (chr1:68,444,665-68,444,671); duplicating any one gives the same sequence. VCF-style (leftmost placement, unchanged base first): chr1-68444664-G-GA. GRCh37 (hg19) VCF-style: chr1-68910347-G-GA.
Other names: NM_000329.3(RPE65):c.361dup; p.Ser121fs; c.361dupT (NM_000329.2); short protein forms S121fs.
Identifiers: ClinVar variation 559521 (VCV000559521.13), dbSNP rs121918844, ClinGen allele CA23575009.

ClinVar aggregate classification (germline): Pathogenic. Review status: reviewed by expert panel (3 of 4 stars). 6 submissions from 6 submitters: Pathogenic (1). 5 of the submissions do not count toward it. Last evaluated 2024-02-20.

Conditions:
Leber congenital amaurosis (LCA). Also called: Leber's amaurosis. Identifiers: Orphanet 65, MedGen C0339527, MeSH D057130, MONDO:0018998.
Leber congenital amaurosis 2 (LCA2). Also called: Autosomal Recessive RPE65-Related Retinal Degeneration; AMAUROSIS CONGENITA OF LEBER II. Identifiers: Orphanet 65, MedGen C1859844, MONDO:0008765, OMIM 204100. Disease mechanism: loss of function.
RPE65-related recessive retinopathy. Also called: Recessive RPE65 retinopathy. Identifiers: MedGen CN305526, MONDO:0100368.
Retinitis pigmentosa 20 (RP20). Identifiers: Orphanet 791, MedGen C3151086, MONDO:0013425, OMIM 613794.

Submissions (6):

ClinGen Leber Congenital Amaurosis/early Onset Retinal Dystrophy Variant Curation Expert Panel, ClinGen
Classification: Pathogenic for RPE65-related recessive retinopathy. Last evaluated: 2024-02-20. Review status: reviewed by expert panel. Criteria: ClinGen LCAeoRD ACMG Specifications RPE65 V1.0.0. Collection method: curation. Allele origin: germline. Inheritance: Autosomal recessive inheritance.
Comment: The NM_000329.3(RPE65):c.361dup (p.Ser121fs) frameshift variant introduces a premature stop codon in exon 5 of 14 and is predicted to trigger nonsense-mediated decay (PVS1). It is reported in the literature in a compound heterozygous state in at least one proband (by whole exome sequencing) who was diagnosed with Leber congenital amaurosis and exhibits infantile onset (1 pt), reduced visual acuity (1 pt), nyctalopia (required, 0.5 pts), light gazing (1 pt), nystagmus (1 pt), RPE mottling (0.5 pt), attenuated retinal vessels (0.5 pt), flat rod ERG (required, 1 pt), and flat cone ERG (1 pt), which together is highly specific for RPE65-related recessive retinopathy (PMID: 30870047, PP4_Moderate). This variant is absent from gnomAD v2.1.1 (PM2_Supporting). In summary, this variant meets the criteria to be classified as Pathogenic for RPE65-related recessive retinopathy based on the ACMG/AMP criteria applied, as specified by the ClinGen LCA/eoRD VCEP: PVS1, PP4_Moderate, and PM2_Supporting. (VCEP specifications version 1.0.0; date of approval 09/21/2023)

Natera, Inc.
Classification: Pathogenic for Leber congenital amaurosis. Last evaluated: 2025-02-17. Review status: criteria provided, single submitter. Criteria: Natera Variant Classification Schema (03/2026). Collection method: clinical testing. Allele origin: germline. Not counted in ClinVar's aggregate classification.
Comment: The c.361dupT variant in RPE65 is a frameshift variant predicted to shift the reading frame beginning at codon 121 and leads to a stop codon 10 codons downstream. This variant is expected to result in nonsense mediated decay, truncation, or a dysfunctional protein product. This variant is rare in the general population with a frequency below the threshold expected for the associated phenotype(s). This variant has been observed in one or more individuals affected with the associated recessive disease, as either homozygous or compound heterozygous with a second variant (PMID: 29068479). Given the available evidence, this variant is classified as Pathogenic.

Myriad Genetics, Inc.
Classification: Pathogenic for RPE65-related recessive retinopathy. Last evaluated: 2024-05-14. Review status: criteria provided, single submitter. Criteria: Myriad Autosomal Dominant, Autosomal Recessive and X-Linked Classification Criteria (2023). Collection method: clinical testing. Allele origin: unknown. Not counted in ClinVar's aggregate classification.
Comment: NM_000329.2(RPE65):c.361dupT(S121Ffs*10) is expected to be pathogenic in the context of inherited retinal dystrophy, RPE65-related. This variant is predicted to lead to an abnormal or absent protein product due to the creation of a premature termination codon in RPE65, a gene where loss-of-function variants are known to be pathogenic. Please note: this variant was assessed in the context of healthy population screening.

Baylor Genetics
Classification: Pathogenic for Leber congenital amaurosis 2. Last evaluated: 2023-06-13. Review status: criteria provided, single submitter. Criteria: ACMG Guidelines, 2015. Collection method: clinical testing. Allele origin: unknown. Not counted in ClinVar's aggregate classification.

Cytogenetics and Genomics Laboratory, Medical University of South Carolina
Classification: Pathogenic for Leber congenital amaurosis. Last evaluated: 2018-06-01. Review status: criteria provided, single submitter. Criteria: ACMG Guidelines, 2015. Collection method: research. Allele origin: paternal. Affected: yes. Observed: 2 variant alleles. Not counted in ClinVar's aggregate classification.

Labcorp Genetics (formerly Invitae), Labcorp
Classification: Pathogenic for Leber congenital amaurosis 2; Retinitis pigmentosa 20. Last evaluated: 2018-05-10. Review status: criteria provided, single submitter. Criteria: Invitae Variant Classification Sherloc (09022015). Collection method: clinical testing. Allele origin: germline. Not counted in ClinVar's aggregate classification.
Comment: For these reasons, this variant has been classified as Pathogenic. Loss-of-function variants in RPE65 are known to be pathogenic (PMID: 9326941, 9501220). This variant has been observed in an individual affected with Leber's congenital amaurosis (PMID: 24066033). This variant is not present in population databases (ExAC no frequency). This sequence change creates a premature translational stop signal (p.Ser121Phefs*10) in the RPE65 gene. It is expected to result in an absent or disrupted protein product.

Literature cited by the submitters: PubMed 29068479 (cited by Natera, Inc.); PubMed 9326941 (cited by Labcorp Genetics (formerly Invitae), Labcorp); PubMed 9501220 (cited by Labcorp Genetics (formerly Invitae), Labcorp); PubMed 24066033 (cited by Labcorp Genetics (formerly Invitae), Labcorp).